The following is an entry in ClinVar:

NM_017802.4(DNAAF5):c.802G>T (p.Val268Leu)

Gene: DNAAF5 (dynein axonemal assembly factor 5; plus strand). Cytogenetic location: 7p22.3.
Variant type: single nucleotide variant.
Coding change: c.802G>T on transcript NM_017802.4 (MANE Select); coding-DNA position 802, G replaced by T.
Protein change: p.Val268Leu; replaces valine 268 with leucine.
Molecular consequence: missense variant. On other transcripts: non-coding transcript variant (1).
Genome position (GRCh38, 1-based): chr7:740,840, G>T. VCF-style: chr7-740840-G-T. GRCh37 (hg19) VCF-style: chr7-780477-G-T.
Other names: short protein forms V268L.
Identifiers: ClinVar variation 4841712 (VCV004841712.1).
Genomic context (GRCh38, chr7:740,840, plus strand): 5'-TTGCCTACACGAATCCTTATCCCTTCCTCTCATGCGCAGGTCCGGCGGGCGGTGGCCTCC[G>T]TGGTGGGCGGCTGGCTGCTGTGTCTGCGTGACCGTTACTCCTTCTTCCACAAGCTCATCC-3'
Protein context (NP_060272.3, residues 258-278): VPQVRRAVAS[Val268Leu]VGGWLLCLRD

ClinVar aggregate classification (germline): Uncertain significance (1 of 4 stars; one submission).

Conditions:
Primary ciliary dyskinesia. Also called: Ciliary dyskinesia. Identifiers: Orphanet 244, MedGen C0008780, MONDO:0016575, HP:0012265.

Submission:

Ambry Genetics
Classification: Uncertain significance for Primary ciliary dyskinesia. Last evaluated: 2025-12-16. Review status: criteria provided, single submitter. Criteria: Ambry Variant Classification Scheme 2023. Collection method: clinical testing. Allele origin: germline.
Comment: The p.V268L variant (also known as c.802G>T), located in coding exon 3 of the DNAAF5 gene, results from a G to T substitution at nucleotide position 802. The valine at codon 268 is replaced by leucine, an amino acid with highly similar properties. This amino acid position is conserved. In addition, the in silico prediction for this alteration is inconclusive. Based on the available evidence, the clinical significance of this variant remains unclear.